The following is an entry in ClinVar:

NM_004380.3(CREBBP):c.6580C>T (p.Arg2194Trp)

Gene: CREBBP (CREB binding lysine acetyltransferase; minus strand). Cytogenetic location: 16p13.3.
Variant type: single nucleotide variant.
Coding change: c.6580C>T on transcript NM_004380.3 (MANE Select); coding-DNA position 6580, C replaced by T.
Protein change: p.Arg2194Trp; replaces arginine 2194 with tryptophan.
Molecular consequence: missense variant.
Genome position (GRCh38, 1-based): chr16:3,728,467, G>A on the plus strand (C>T on the coding strand, the complement: CREBBP is on the minus strand). VCF-style: chr16-3728467-G-A. GRCh37 (hg19) VCF-style: chr16-3778468-G-A.
Other names: c.6466C>T, p.Arg2156Trp (NM_001079846.1); short protein forms R2156W, R2194W.
Identifiers: ClinVar variation 3353194 (VCV003353194.4).

ClinVar aggregate classification (germline): Uncertain significance. Review status: criteria provided, multiple submitters, no conflicts (2 of 4 stars). 3 submissions from 3 submitters: Uncertain significance (2). 1 of the submissions does not count toward it. Last evaluated 2026-01-22.

Conditions:
CREBBP-related disorder. Also called: CREBBP-related condition; CREBBP-related disorders.
Rubinstein-Taybi syndrome due to CREBBP mutations (RSTS1). Also called: BROAD THUMBS AND GREAT TOES, CHARACTERISTIC FACIES, AND IMPAIRED INTELLECTUAL DEVELOPMENT; RUBINSTEIN-TAYBI SYNDROME 1, INCOMPLETE; BROAD THUMB-HALLUX SYNDROME; RUBINSTEIN SYNDROME; Rubinstein-Taybi syndrome 1; CREBBP-Related Rubinstein-Taybi Syndrome. Identifiers: Orphanet 353277, Orphanet 783, MedGen C4551859, MONDO:0008393, OMIM 180849.
Menke-Hennekam syndrome 1 (MKHK1). Identifiers: MedGen C5193034, MONDO:0020763, OMIM 618332.

Submissions (3):

Dasa
Classification: Uncertain significance for Rubinstein-Taybi syndrome due to CREBBP mutations. Last evaluated: 2026-01-22. Review status: criteria provided, single submitter. Criteria: DASA Assertion Criteria. Collection method: clinical testing. Allele origin: germline.
Comment: NM_004380.3(CREBBP):c.6580C>T (p.Arg2194Trp) is a missense variant that results in the substitution of arginine with tryptophan. This variant is rare in population databases. The currently available literature and clinical evidence are not sufficient to establish a definitive association between this variant and the reported condition. Therefore, this variant is classified as a variant of uncertain significance.

Fulgent Genetics
Classification: Uncertain significance for Rubinstein-Taybi syndrome due to CREBBP mutations; Menke-Hennekam syndrome 1. Last evaluated: 2024-05-31. Review status: criteria provided, single submitter. Criteria: ACMG Guidelines, 2015. Collection method: clinical testing. Allele origin: germline.

PreventionGenetics, part of Exact Sciences
Classification: Uncertain significance for CREBBP-related condition. Last evaluated: 2024-07-10. Review status: no assertion criteria provided. Collection method: clinical testing. Allele origin: germline. Not counted in ClinVar's aggregate classification.
Comment: The CREBBP c.6580C>T variant is predicted to result in the amino acid substitution p.Arg2194Trp. To our knowledge, this variant has not been reported in the literature. This variant is reported in 0.0027% of alleles in individuals of European (Non-Finnish) descent in gnomAD. At this time, the clinical significance of this variant is uncertain due to the absence of conclusive functional and genetic evidence.